The following is an entry in ClinVar:

NM_004667.6(HERC2):c.8451+8C>A

Gene: HERC2 (HECT and RLD domain containing E3 ubiquitin protein ligase 2; minus strand). Cytogenetic location: 15q13.1.
Variant type: single nucleotide variant.
Coding change: c.8451+8C>A on transcript NM_004667.6 (MANE Select); 8 bases into the intron after coding-DNA position 8451, C replaced by A.
Molecular consequence: intron variant.
Genome position (GRCh38, 1-based): chr15:28,191,953, G>T on the plus strand (C>A on the coding strand, the complement: HERC2 is on the minus strand). VCF-style: chr15-28191953-G-T. GRCh37 (hg19) VCF-style: chr15-28437099-G-T.
Identifiers: ClinVar variation 2432440 (VCV002432440.8), dbSNP rs770748385, ClinGen allele CA7441482.

ClinVar aggregate classification (germline): Uncertain significance. Review status: criteria provided, multiple submitters, no conflicts (2 of 4 stars). 2 submissions from 2 submitters: Uncertain significance (2). Last evaluated 2025-12-01.

Allele frequency attached by ClinVar (database versions not stated): gnomAD exomes 0.00002; ExAC 0.00003; gnomAD 0.00003; TOPMed 0.00006.
gnomAD v4.1: 20 of 1,611,584 alleles (0.0012%); highest among the groups gnomAD compares: Admixed American, 0.03%; no homozygotes.

Submissions (2):

CeGaT Center for Human Genetics Tuebingen
Classification: Uncertain significance. Last evaluated: 2025-12-01. Review status: criteria provided, single submitter. Criteria: CeGaT Center For Human Genetics Tuebingen Variant Classification Criteria Version 2. Collection method: clinical testing. Allele origin: germline. Affected: yes. Observed: 1 variant allele.
Comment: HERC2: PM2, BP4

Revvity Omics, Revvity
Classification: Uncertain significance. Last evaluated: 2019-03-21. Review status: criteria provided, single submitter. Criteria: ACMG Guidelines, 2015. Collection method: clinical testing. Allele origin: germline.